The following is an entry in ClinVar:

ClinVar aggregate classification (germline): Conflicting classifications of pathogenicity. Review status: criteria provided, conflicting classifications (1 of 4 stars). 3 submissions from 3 submitters: Uncertain significance (2); Likely benign (1). Last evaluated 2025-04-07.

Conditions:
2-aminoadipic 2-oxoadipic aciduria (AAKAD). Also called: Aminoadipic aciduria; ALPHA-AMINOADIPIC AND ALPHA-KETOADIPIC ACIDURIA. Identifiers: Orphanet 79154, MedGen C1859817, MONDO:0008774, OMIM 204750.
Inborn genetic diseases. Identifiers: MedGen C0950123, MeSH D030342.

Allele frequency attached by ClinVar (database versions not stated): TOPMed below 0.00001; ExAC 0.00001; gnomAD 0.00001; gnomAD exomes 0.00001 and 0.00002.
gnomAD v4.1: 23 of 1,613,868 alleles (0.0014%); highest among the groups gnomAD compares: Non-Finnish European, 0.0019%; no homozygotes.

Submissions (3):

Labcorp Genetics (formerly Invitae), Labcorp
Classification: Uncertain significance for 2-aminoadipic 2-oxoadipic aciduria. Last evaluated: 2025-04-07. Review status: criteria provided, single submitter. Criteria: Invitae Variant Classification Sherloc (09022015). Collection method: clinical testing. Allele origin: germline.
Comment: This sequence change replaces serine, which is neutral and polar, with alanine, which is neutral and non-polar, at codon 135 of the DHTKD1 protein (p.Ser135Ala). This variant is present in population databases (rs755902715, gnomAD 0.005%). This variant has not been reported in the literature in individuals affected with DHTKD1-related conditions. ClinVar contains an entry for this variant (Variation ID: 1434067). Invitae Evidence Modeling of protein sequence and biophysical properties (such as structural, functional, and spatial information, amino acid conservation, physicochemical variation, residue mobility, and thermodynamic stability) indicates that this missense variant is not expected to disrupt DHTKD1 protein function with a negative predictive value of 80%. In summary, the available evidence is currently insufficient to determine the role of this variant in disease. Therefore, it has been classified as a Variant of Uncertain Significance.

Blueprint Genetics
Classification: Likely benign. Last evaluated: 2023-04-28. Review status: criteria provided, single submitter. Criteria: ACMG Guidelines, 2015. Collection method: clinical testing. Allele origin: germline.

Ambry Genetics
Classification: Uncertain significance for Inborn genetic diseases. Last evaluated: 2023-03-31. Review status: criteria provided, single submitter. Criteria: Ambry Variant Classification Scheme 2023. Collection method: clinical testing. Allele origin: germline.

NM_018706.7(DHTKD1):c.403T>G (p.Ser135Ala)

Gene: DHTKD1 (dehydrogenase E1 and transketolase domain containing 1; plus strand). Cytogenetic location: 10p14.
Variant type: single nucleotide variant.
Coding change: c.403T>G on transcript NM_018706.7 (MANE Select); coding-DNA position 403, T replaced by G.
Protein change: p.Ser135Ala; replaces serine 135 with alanine.
Molecular consequence: missense variant.
Genome position (GRCh38, 1-based): chr10:12,084,632, T>G. VCF-style: chr10-12084632-T-G. GRCh37 (hg19) VCF-style: chr10-12126631-T-G.
Other names: c.403T>G (NM_018706.5); short protein forms S135A.
Identifiers: ClinVar variation 1434067 (VCV001434067.10), dbSNP rs755902715, ClinGen allele CA5407530.